The following is an entry in ClinVar:

ClinVar aggregate classification (germline): Uncertain significance (1 of 4 stars; one submission).

Submission:

Labcorp Genetics (formerly Invitae), Labcorp
Classification: Uncertain significance. Last evaluated: 2022-03-04. Review status: criteria provided, single submitter. Criteria: Invitae Variant Classification Sherloc (09022015). Collection method: clinical testing. Allele origin: germline.
Comment: This sequence change falls in intron 13 of the GEN1 gene. It does not directly change the encoded amino acid sequence of the GEN1 protein. It affects a nucleotide within the consensus splice site. This variant is not present in population databases (gnomAD no frequency). This variant has not been reported in the literature in individuals affected with GEN1-related conditions. Variants that disrupt the consensus splice site are a relatively common cause of aberrant splicing (PMID: 17576681, 9536098). Algorithms developed to predict the effect of sequence changes on RNA splicing suggest that this variant may disrupt the consensus splice site. In summary, the available evidence is currently insufficient to determine the role of this variant in disease. Therefore, it has been classified as a Variant of Uncertain Significance.

Literature cited by the submitters: PubMed 17576681; PubMed 9536098.

NM_001130009.3(GEN1):c.1409-1G>C

Gene: GEN1 (GEN1 structure-specific endonuclease; plus strand). Cytogenetic location: 2p24.2.
Variant type: single nucleotide variant.
Coding change: c.1409-1G>C on transcript NM_001130009.3 (MANE Select); the canonical splice acceptor site of the intron before coding-DNA position 1409, G replaced by C.
Molecular consequence: splice acceptor variant.
Genome position (GRCh38, 1-based): chr2:17,780,620, G>C. VCF-style: chr2-17780620-G-C. GRCh37 (hg19) VCF-style: chr2-17961887-G-C.
Other names: c.1409-1G>C (NM_182625.5).
Identifiers: ClinVar variation 2106427 (VCV002106427.4), dbSNP rs1383525613, ClinGen allele CA345925671.